The following is an entry in ClinVar:

NM_004656.4(BAP1):c.1753T>C (p.Ser585Pro)

Gene: BAP1 (BRCA1 associated deubiquitinase 1; minus strand). Cytogenetic location: 3p21.1.
Variant type: single nucleotide variant.
Coding change: c.1753T>C on transcript NM_004656.4 (MANE Select); coding-DNA position 1753, T replaced by C.
Protein change: p.Ser585Pro; replaces serine 585 with proline.
Molecular consequence: missense variant.
Genome position (GRCh38, 1-based): chr3:52,403,275, A>G on the plus strand (T>C on the coding strand, the complement: BAP1 is on the minus strand). VCF-style: chr3-52403275-A-G. GRCh37 (hg19) VCF-style: chr3-52437291-A-G.
Other names: c.1699T>C, p.Ser567Pro (NM_001410772.1); short protein forms S567P, S585P.
Identifiers: ClinVar variation 4742208 (VCV004742208.1).

ClinVar aggregate classification (germline): Uncertain significance (1 of 4 stars; one submission).

Conditions:
BAP1-related tumor predisposition syndrome (TPDS1). Also called: TUMOR PREDISPOSITION SYNDROME 1; BAP1 tumor predisposition syndrome; Tumor susceptibility linked to germline BAP1 mutations; COMMON Syndrome. Identifiers: Orphanet 289539, MedGen C3280492, MONDO:0013692, OMIM 614327.

Submission:

Labcorp Genetics (formerly Invitae), Labcorp
Classification: Uncertain significance for BAP1-related tumor predisposition syndrome. Last evaluated: 2025-02-25. Review status: criteria provided, single submitter. Criteria: Invitae Variant Classification Sherloc (09022015). Collection method: clinical testing. Allele origin: germline.
Comment: This sequence change replaces serine, which is neutral and polar, with proline, which is neutral and non-polar, at codon 585 of the BAP1 protein (p.Ser585Pro). This variant is not present in population databases (gnomAD no frequency). This variant has not been reported in the literature in individuals affected with BAP1-related conditions. Invitae Evidence Modeling of protein sequence and biophysical properties (such as structural, functional, and spatial information, amino acid conservation, physicochemical variation, residue mobility, and thermodynamic stability) indicates that this missense variant is not expected to disrupt BAP1 protein function with a negative predictive value of 80%. In summary, the available evidence is currently insufficient to determine the role of this variant in disease. Therefore, it has been classified as a Variant of Uncertain Significance.